The following is an entry in ClinVar:

ClinVar aggregate classification (germline): Pathogenic (1 of 4 stars; one submission).

Conditions:
Familial cancer of breast. Also called: hereditary breast carcinoma; BREAST CANCER, FAMILIAL; Hereditary breast cancer. Identifiers: Orphanet 227535, MedGen C0346153, MONDO:0016419, OMIM 114480. Disease mechanism: loss of function.

Submission:

Myriad Genetics, Inc.
Classification: Pathogenic for Familial cancer of breast. Last evaluated: 2025-07-08. Review status: criteria provided, single submitter. Criteria: Myriad Autosomal Dominant, Autosomal Recessive and X-Linked Classification Criteria (2023). Collection method: clinical testing. Allele origin: unknown.
Comment: This variant is considered pathogenic. This variant creates a frameshift predicted to result in premature protein truncation.

NM_024675.4(PALB2):c.215del (p.Pro72fs)

Gene: PALB2 (partner and localizer of BRCA2; minus strand). Cytogenetic location: 16p12.2.
Variant type: Deletion.
Coding change: c.215del on transcript NM_024675.4 (MANE Select); coding-DNA position 215, one base deleted (C; older notation c.215delC).
Protein change: p.Pro72fs; shifts the reading frame from proline 72.
Molecular consequence: frameshift variant. On other transcripts: 5 prime UTR variant (8), intron variant (3).
Genome position (GRCh38, 1-based): chr16:23,636,331, G deleted on the plus strand (C on the coding strand, the reverse complement: PALB2 is on the minus strand); the first of 2 consecutive G bases (chr16:23,636,331-23,636,332); deleting either gives the same sequence. VCF-style (leftmost placement, unchanged base first): chr16-23636330-AG-A. GRCh37 (hg19) VCF-style: chr16-23647651-AG-A.
Other names: c.155del, p.Pro52fs (NM_001407296.1); c.215del, p.Pro72fs (NM_001407297.1, NM_001407298.1, NM_001407299.1 and 3 more transcripts); c.-671del (NM_001407304.1, NM_001407305.1, NM_001407306.1 and 5 more transcripts); c.48+4779del (NM_001407314.1); c.-105+4779del (NM_001407313.1, NM_001407312.1); short protein forms P52fs, P72fs.
Identifiers: ClinVar variation 4294227 (VCV004294227.1).